The following is an entry in ClinVar:

NM_000179.3(MSH6):c.26G>C (p.Ser9Thr)

Gene: MSH6 (mutS homolog 6; plus strand). Cytogenetic location: 2p16.3.
Variant type: single nucleotide variant.
Coding change: c.26G>C on transcript NM_000179.3 (MANE Select); coding-DNA position 26, G replaced by C.
Protein change: p.Ser9Thr; replaces serine 9 with threonine.
Molecular consequence: missense variant. On other transcripts: 5 prime UTR variant (1).
Genome position (GRCh38, 1-based): chr2:47,783,259, G>C. VCF-style: chr2-47783259-G-C. GRCh37 (hg19) VCF-style: chr2-48010398-G-C.
Other names: c.26G>C, p.Ser9Thr (NM_001281492.2); c.-711G>C (NM_001281493.2); short protein forms S9T.
Identifiers: ClinVar variation 821688 (VCV000821688.4), dbSNP rs1572697767, ClinGen allele CA346734507.
Genomic context (GRCh38, chr2:47,783,259, plus strand): 5'-TCCGACAGAACGGTTGGGCCTTGCCGGCTGTCGGTATGTCGCGACAGAGCACCCTGTACA[G>C]CTTCTTCCCCAAGTCTCCGGCGCTGAGTGATGCCAACAAGGCCTCGGCCAGGGCCTCACG-3'
Protein context (NP_000170.1, residues 1-19): MSRQSTLY[Ser9Thr]FFPKSPALSD

ClinVar aggregate classification (germline): Uncertain significance (1 of 4 stars; one submission).

Conditions:
Hereditary cancer-predisposing syndrome. Also called: Tumor predisposition; Hereditary Cancer Syndrome; Neoplastic Syndromes, Hereditary; Hereditary neoplastic syndrome. Identifiers: Orphanet 140162, MedGen C0027672, MeSH D009386, MONDO:0015356.

Submission:

Ambry Genetics
Classification: Uncertain significance for Hereditary cancer-predisposing syndrome. Last evaluated: 2019-04-22. Review status: criteria provided, single submitter. Criteria: Ambry Variant Classification Scheme 2023. Collection method: clinical testing. Allele origin: germline.
Comment: The p.S9T variant (also known as c.26G>C), located in coding exon 1 of the MSH6 gene, results from a G to C substitution at nucleotide position 26. The serine at codon 9 is replaced by threonine, an amino acid with similar properties. This amino acid position is not well conserved in available vertebrate species. In addition, this alteration is predicted to be tolerated by in silico analysis. Since supporting evidence is limited at this time, the clinical significance of this alteration remains unclear.